The following is an entry in ClinVar:

NM_000222.3(KIT):c.1657T>G (p.Tyr553Asp)

Gene: KIT (KIT proto-oncogene, receptor tyrosine kinase; plus strand). Cytogenetic location: 4q12.
Variant type: single nucleotide variant.
Coding change: c.1657T>G on transcript NM_000222.3 (MANE Select); coding-DNA position 1657, T replaced by G.
Protein change: p.Tyr553Asp; replaces tyrosine 553 with aspartic acid.
Molecular consequence: missense variant.
Genome position (GRCh38, 1-based): chr4:54,727,425, T>G. VCF-style: chr4-54727425-T-G. GRCh37 (hg19) VCF-style: chr4-55593591-T-G.
Other names: c.1645T>G, p.Tyr549Asp (NM_001093772.2, NM_001385286.1); c.1660T>G, p.Tyr554Asp (NM_001385284.1, NM_001385290.1); c.1657T>G, p.Tyr553Asp (NM_001385285.1); c.1648T>G, p.Tyr550Asp (NM_001385288.1, NM_001385292.1); short protein forms Y549D, Y550D, Y553D, Y554D.
Identifiers: ClinVar variation 1710035 (VCV001710035.2), dbSNP rs1057519704, ClinGen allele CA356907435.

ClinVar aggregate classification (germline): Uncertain significance (1 of 4 stars; one submission).

Conditions:
Gastrointestinal stromal tumor. Also called: Gastrointestinal stroma tumor; Gastrointestinal stromal tumor, somatic. Identifiers: Orphanet 44890, MedGen C0238198, MeSH D046152, MONDO:0011719, OMIM 606764, HP:0100723.

Submission:

MGZ Medical Genetics Center
Classification: Uncertain significance for Gastrointestinal stromal tumor. Last evaluated: 2021-10-15. Review status: criteria provided, single submitter. Criteria: ACMG Guidelines, 2015. Collection method: clinical testing. Allele origin: germline. Affected: yes. Observed: 1 variant allele.
Comment: ACMG criteria applied: PM5, PM2_SUP, PP3